The following is an entry in ClinVar:

ClinVar aggregate classification (germline): Uncertain significance (1 of 4 stars; one submission).

gnomAD v4.1: 2 of 1,614,048 alleles (0.00012%); highest among the groups gnomAD compares: African/African-American, 0.0027%; no homozygotes.

Submission:

Ambry Genetics
Classification: Uncertain significance. Last evaluated: 2025-04-21. Review status: criteria provided, single submitter. Criteria: Ambry Variant Classification Scheme 2023. Collection method: clinical testing. Allele origin: germline.
Comment: The p.G16A variant (also known as c.47G>C), located in coding exon 1 of the CDK12 gene, results from a G to C substitution at nucleotide position 47. The glycine at codon 16 is replaced by alanine, an amino acid with similar properties. This amino acid position is conserved. In addition, this alteration is predicted to be tolerated by in silico analysis. Based on the available evidence, the clinical significance of this variant remains unclear.

NM_016507.4(CDK12):c.47G>C (p.Gly16Ala)

Genes: CDK12 (cyclin dependent kinase 12; plus strand), LOC126862553 (CDK7 strongly-dependent group 2 enhancer GRCh37_chr17:37618166-37619365; plus strand). Cytogenetic location: 17q12.
Variant type: single nucleotide variant.
Coding change: c.47G>C on transcript NM_016507.4 (MANE Select); coding-DNA position 47, G replaced by C.
Protein change: p.Gly16Ala; replaces glycine 16 with alanine.
Molecular consequence: missense variant.
Genome position (GRCh38, 1-based): chr17:39,462,118, G>C. VCF-style: chr17-39462118-G-C. GRCh37 (hg19) VCF-style: chr17-37618371-G-C.
Other names: c.47G>C, p.Gly16Ala (NM_015083.4); short protein forms G16A.
Identifiers: ClinVar variation 3999388 (VCV003999388.1).